The following is an entry in ClinVar:

NM_015450.3(POT1):c.619T>A (p.Leu207Ile)

Gene: POT1 (protection of telomeres 1; minus strand). Cytogenetic location: 7q31.33.
Variant type: single nucleotide variant.
Coding change: c.619T>A on transcript NM_015450.3 (MANE Select); coding-DNA position 619, T replaced by A.
Protein change: p.Leu207Ile; replaces leucine 207 with isoleucine.
Molecular consequence: missense variant. On other transcripts: non-coding transcript variant (3).
Genome position (GRCh38, 1-based): chr7:124,859,040, A>T on the plus strand (T>A on the coding strand, the complement: POT1 is on the minus strand). VCF-style: chr7-124859040-A-T. GRCh37 (hg19) VCF-style: chr7-124499094-A-T.
Other names: c.226T>A, p.Leu76Ile (NM_001042594.2); short protein forms L207I, L76I.
Identifiers: ClinVar variation 1752160 (VCV001752160.7), dbSNP rs1410922436, ClinGen allele CA369056460.
Genomic context (GRCh38, chr7:124,859,040, plus strand): 5'-CATGGTTATCGTAGACTAAAATGTCTATTGTCAGATTTTGTAGCCGATGGATGTGACTTA[A>T]ATCACCTTCAAGAACAAGGTCTTGTATTAAGACTCTCCAAGATGGAAATGGTGTCCTGGT-3'
Protein context (NP_056265.2, residues 197-217): LIQDLVLEGD[Leu207Ile]SHIHRLQNLT

ClinVar aggregate classification (germline): Uncertain significance. Review status: criteria provided, multiple submitters, no conflicts (2 of 4 stars). 2 submissions from 2 submitters: Uncertain significance (2). Last evaluated 2025-09-10.

Conditions:
Hereditary cancer-predisposing syndrome. Also called: Hereditary Cancer Syndrome; Hereditary neoplastic syndrome; Neoplastic Syndromes, Hereditary; Tumor predisposition. Identifiers: Orphanet 140162, MedGen C0027672, MeSH D009386, MONDO:0015356.
Tumor predisposition syndrome 3 (TPDS3). Also called: Melanoma, cutaneous malignant, susceptibility to, 10; Glioma susceptibility 9; LONG TELOMERE SYNDROME, POT1-RELATED; POT1 Tumor Predisposition. Identifiers: Orphanet 618, MedGen C4014476, MONDO:0014368, OMIM 615848.

Submissions (2):

Ambry Genetics
Classification: Uncertain significance for Hereditary cancer-predisposing syndrome. Last evaluated: 2025-09-10. Review status: criteria provided, single submitter. Criteria: Ambry Variant Classification Scheme 2023. Collection method: clinical testing. Allele origin: germline.
Comment: The p.L207I variant (also known as c.619T>A), located in coding exon 5 of the POT1 gene, results from a T to A substitution at nucleotide position 619. The leucine at codon 207 is replaced by isoleucine, an amino acid with highly similar properties. This amino acid position is not well conserved in available vertebrate species. In addition, this alteration is predicted to be tolerated by in silico analysis. Since supporting evidence is limited at this time, the clinical significance of this alteration remains unclear.

Labcorp Genetics (formerly Invitae), Labcorp
Classification: Uncertain significance for Tumor predisposition syndrome 3. Last evaluated: 2022-09-12. Review status: criteria provided, single submitter. Criteria: Invitae Variant Classification Sherloc (09022015). Collection method: clinical testing. Allele origin: germline.
Comment: This variant has not been reported in the literature in individuals affected with POT1-related conditions. In summary, the available evidence is currently insufficient to determine the role of this variant in disease. Therefore, it has been classified as a Variant of Uncertain Significance. Advanced modeling of protein sequence and biophysical properties (such as structural, functional, and spatial information, amino acid conservation, physicochemical variation, residue mobility, and thermodynamic stability) performed at Invitae indicates that this missense variant is not expected to disrupt POT1 protein function. This variant is not present in population databases (gnomAD no frequency). This sequence change replaces leucine, which is neutral and non-polar, with isoleucine, which is neutral and non-polar, at codon 207 of the POT1 protein (p.Leu207Ile).